The following is an entry in ClinVar:

NM_015570.4(AUTS2):c.661-145263A>G

Gene: AUTS2 (activator of transcription and developmental regulator AUTS2; plus strand). Cytogenetic location: 7q11.22.
Variant type: single nucleotide variant.
Coding change: c.661-145263A>G on transcript NM_015570.4 (MANE Select); 145263 bases into the intron before coding-DNA position 661, A replaced by G.
Molecular consequence: intron variant. On other transcripts: missense variant (1).
Genome position (GRCh38, 1-based): chr7:70,290,489, A>G. VCF-style: chr7-70290489-A-G. GRCh37 (hg19) VCF-style: chr7-69755475-A-G.
Other names: c.782A>G, p.Lys261Arg (NM_001127232.3); c.661-145263A>G (NM_001127231.3); short protein forms K261R.
Identifiers: ClinVar variation 3032538 (VCV003032538.2), dbSNP rs142643070, ClinGen allele CA160603870.
Genomic context (GRCh38, chr7:70,290,489, plus strand): 5'-GGGATGTCAGCAACACTTCATCCTGGGCCAGTAATAGGGAGAGTTTCTTTTCTCTCGTCA[A>G]ATTGCTTAAAGGATTCTAGTTCCGTTTGGTGTGGTCACTCACATTTGAATTCTAATACTC-3'

ClinVar aggregate classification (germline): Likely benign (0 of 4 stars; one submission).

Conditions:
AUTS2-related disorder. Also called: AUTS2-related condition.

Allele frequency attached by ClinVar (database versions not stated): TOPMed 0.00002; gnomAD 0.00005; 1000 Genomes Project 30x 0.00016; gnomAD exomes 0.00018; 1000 Genomes Project 0.00020.
gnomAD v4.1: 243 of 1,541,252 alleles (0.016%); highest among the groups gnomAD compares: East Asian, 0.6%; no homozygotes.

Submission:

PreventionGenetics, part of Exact Sciences
Classification: Likely benign for AUTS2-related condition. Last evaluated: 2023-01-03. Review status: no assertion criteria provided. Collection method: clinical testing. Allele origin: germline.
Comment: This variant is classified as likely benign based on ACMG/AMP sequence variant interpretation guidelines (Richards et al. 2015 PMID: 25741868, with internal and published modifications).